The following is an entry in ClinVar:

ClinVar aggregate classification (germline): Uncertain significance. Review status: criteria provided, multiple submitters, no conflicts (2 of 4 stars). 4 submissions from 4 submitters: Uncertain significance (4). Last evaluated 2024-09-20.

Conditions:
Complex neurodevelopmental disorder. Identifiers: Orphanet 528084, MedGen C5568766, MONDO:0100038.
Cardiovascular phenotype. Identifiers: MedGen CN230736.
ANK2-related disorder. Also called: ANK2-related condition.
Long QT syndrome (LQTS). Identifiers: MedGen C0023976, MeSH D008133, MONDO:0002442. Disease mechanism: loss of function. Inheritance: Various modes of inheritance.

Allele frequency attached by ClinVar (database versions not stated): gnomAD exomes 0.00002; TOPMed 0.00002; ExAC 0.00003.
gnomAD v4.1: 4 of 1,613,264 alleles (0.00025%); highest among the groups gnomAD compares: Admixed American, 0.0067%; no homozygotes.

Submissions (4):

Ambry Genetics
Classification: Uncertain significance for Cardiovascular phenotype. Last evaluated: 2024-09-20. Review status: criteria provided, single submitter. Criteria: Ambry Variant Classification Scheme 2023. Collection method: clinical testing. Allele origin: germline.
Comment: The p.N795T variant (also known as c.2384A>C), located in coding exon 22 of the ANK2 gene, results from an A to C substitution at nucleotide position 2384. The asparagine at codon 795 is replaced by threonine, an amino acid with similar properties. According to data from gnomAD, the frequency for this variant is above the maximum credible frequency for a cardiac disease-causing variant in this gene based on internally established thresholds (Karczewski et al. Nature. 2020 May;581(7809):434-443; Whiffin et al. Genet Med. 2017 10;19:1151-1158). This amino acid position is highly conserved in available vertebrate species. In addition, the in silico prediction for this alteration is inconclusive. Based on the supporting evidence, the association of this alteration with ANK2-related neurodevelopmental disorder is unknown; however, the association with ANK2-related arrhythmia is unlikely.

Labcorp Genetics (formerly Invitae), Labcorp
Classification: Uncertain significance for Long QT syndrome. Last evaluated: 2023-02-21. Review status: criteria provided, single submitter. Criteria: Invitae Variant Classification Sherloc (09022015). Collection method: clinical testing. Allele origin: germline.
Comment: In summary, the available evidence is currently insufficient to determine the role of this variant in disease. Therefore, it has been classified as a Variant of Uncertain Significance. Advanced modeling of protein sequence and biophysical properties (such as structural, functional, and spatial information, amino acid conservation, physicochemical variation, residue mobility, and thermodynamic stability) has been performed at Invitae for this missense variant, however the output from this modeling did not meet the statistical confidence thresholds required to predict the impact of this variant on ANK2 protein function. ClinVar contains an entry for this variant (Variation ID: 519301). This variant has not been reported in the literature in individuals affected with ANK2-related conditions. This variant is present in population databases (rs769106499, gnomAD 0.01%). This sequence change replaces asparagine, which is neutral and polar, with threonine, which is neutral and polar, at codon 795 of the ANK2 protein (p.Asn795Thr).

PreventionGenetics, part of Exact Sciences
Classification: Uncertain significance for ANK2-related condition. Last evaluated: 2022-12-14. Review status: criteria provided, single submitter. Criteria: ACMG Guidelines, 2015. Collection method: clinical testing. Allele origin: germline.
Comment: The ANK2 c.2384A>C variant is predicted to result in the amino acid substitution p.Asn795Thr. To our knowledge, this variant has not been reported in the literature. This variant is reported in 0.012% of alleles in individuals of Latino descent in gnomAD. At this time, the clinical significance of this variant is uncertain due to the absence of conclusive functional and genetic evidence.

New York Genome Center
Classification: Uncertain significance for Complex neurodevelopmental disorder. Last evaluated: 2021-02-12. Review status: criteria provided, single submitter. Criteria: NYGC Assertion Criteria 2020. Collection method: clinical testing. Allele origin: inherited. Observed: 1 heterozygote. Study: CSER-NYCKidSeq.
Comment: The inherited c.2384A>C, p.Asn795Thr missense variant identified in ANK2 has not been reported in the literature. This variant is absent in the gnomAD v3.1database, indicating this is a rare allele and in silico analysis conflicting interpretations of pathogenicity [PMID:27268795] and the position is not strongly conserved (GERP++ = 5.3). Based on the available evidence, the inherited missense variant c.2384A>C, p.Asn795Thr in the ANK2 gene is classified as a Variant of Uncertain Significance.

NM_001148.6(ANK2):c.2384A>C (p.Asn795Thr)

Gene: ANK2 (ankyrin 2; plus strand). Cytogenetic location: 4q26.
Variant type: single nucleotide variant.
Coding change: c.2384A>C on transcript NM_001148.6 (MANE Select); coding-DNA position 2384, A replaced by C.
Protein change: p.Asn795Thr; replaces asparagine 795 with threonine.
Molecular consequence: missense variant.
Genome position (GRCh38, 1-based): chr4:113,293,447, A>C. VCF-style: chr4-113293447-A-C. GRCh37 (hg19) VCF-style: chr4-114214603-A-C.
Other names: c.2285A>C, p.Asn762Thr (NM_001354245.2, NM_001354268.2); c.2384A>C, p.Asn795Thr (NM_001354246.2, NM_001354258.2, NM_001354225.2 and 6 more transcripts); c.2297A>C, p.Asn766Thr (NM_001354249.2, NM_001354274.2, NM_001354276.2 and 10 more transcripts); c.2321A>C, p.Asn774Thr (NM_001354252.2, NM_001354254.2, NM_001354255.2 and 10 more transcripts); c.2222A>C, p.Asn741Thr (NM_001354253.2, NM_001354257.2, NM_001354270.2 and 1 more transcripts); c.2198A>C, p.Asn733Thr (NM_001354271.2, NM_001386151.1, NM_001354260.2); c.2186A>C, p.Asn729Thr (NM_001354273.2); c.2099A>C, p.Asn700Thr (NM_001354277.2, NM_001386157.1); and 9 more; short protein forms N774T, N795T, N4T, N733T, N810T, N741T, N766T, N725T.
Identifiers: ClinVar variation 519301 (VCV000519301.12), dbSNP rs769106499, ClinGen allele CA3050562.
Genomic context (GRCh38, chr4:113,293,447, plus strand): 5'-CATCGCAGTCCTCTCTCTTATTTCTCACTCTCTCTCTTTCACTCTCTCTTCAGAATGGCA[A>C]CACTGCCTTGGCGATTGCTAAGCGTCTGGGCTACATCTCCGTGGTCGACACCCTGAAGGT-3'
Protein context (NP_001139.3, residues 785-805): AKPNATTANG[Asn795Thr]TALAIAKRLG